The following is an entry in ClinVar:

NM_001193315.2(VIPAS39):c.761C>T (p.Ala254Val)

Gene: VIPAS39 (VPS33B interacting protein, apical-basolateral polarity regulator, spe-39 homolog; minus strand). Cytogenetic location: 14q24.3.
Variant type: single nucleotide variant.
Coding change: c.761C>T on transcript NM_001193315.2 (MANE Select); coding-DNA position 761, C replaced by T.
Protein change: p.Ala254Val; replaces alanine 254 with valine.
Molecular consequence: missense variant. On other transcripts: non-coding transcript variant (1), intron variant (1).
Genome position (GRCh38, 1-based): chr14:77,441,067, G>A on the plus strand (C>T on the coding strand, the complement: VIPAS39 is on the minus strand). VCF-style: chr14-77441067-G-A. GRCh37 (hg19) VCF-style: chr14-77907410-G-A.
Other names: c.761C>T, p.Ala254Val (NM_001193314.2, NM_001193317.2, NM_001400326.1 and 7 more transcripts); c.614C>T, p.Ala205Val (NM_001193316.2, NM_001400324.1, NM_001400325.1); c.728C>T, p.Ala243Val (NM_001400327.1); c.668C>T, p.Ala223Val (NM_001400333.1, NM_001400334.1); c.521C>T, p.Ala174Val (NM_001400337.1); c.734+1493C>T (NM_001400338.1); short protein forms A174V, A205V, A223V, A243V, A254V.
Identifiers: ClinVar variation 2629356 (VCV002629356.3), dbSNP rs201678794, ClinGen allele CA263810239.

ClinVar aggregate classification (germline): Uncertain significance. Review status: criteria provided, multiple submitters, no conflicts (2 of 4 stars). 2 submissions from 2 submitters: Uncertain significance (2). Last evaluated 2025-12-23.

Conditions:
VIPAS39-related disorder. Also called: VIPAS39-related condition.
Arthrogryposis, renal dysfunction, and cholestasis 2 (ARCS2). Identifiers: Orphanet 2697, MedGen C3150672, MONDO:0013255, OMIM 613404.

Allele frequency attached by ClinVar (database versions not stated): gnomAD 0.00001; TOPMed 0.00003.
gnomAD v4.1: 39 of 1,613,102 alleles (0.0024%); highest among the groups gnomAD compares: Middle Eastern, 0.016%; no homozygotes.

Submissions (2):

PreventionGenetics, part of Exact Sciences
Classification: Uncertain significance for VIPAS39-related condition. Last evaluated: 2025-12-23. Review status: criteria provided, single submitter. Criteria: ACMG Guidelines, 2015. Collection method: clinical testing. Allele origin: germline.
Comment: The VIPAS39 c.761C>T variant is predicted to result in the amino acid substitution p.Ala254Val. To our knowledge, this variant has not been reported in the literature. This variant is reported in 0.0054% of alleles in individuals of East Asian descent in gnomAD. At this time, the clinical significance of this variant is uncertain due to the absence of conclusive functional and genetic evidence.

Fulgent Genetics
Classification: Uncertain significance for Arthrogryposis, renal dysfunction, and cholestasis 2. Last evaluated: 2024-01-03. Review status: criteria provided, single submitter. Criteria: ACMG Guidelines, 2015. Collection method: clinical testing. Allele origin: germline.